The following is an entry in ClinVar:

NM_001035.3(RYR2):c.3199C>G (p.Pro1067Ala)

Gene: RYR2 (ryanodine receptor 2; plus strand). Cytogenetic location: 1q43.
Variant type: single nucleotide variant.
Coding change: c.3199C>G on transcript NM_001035.3 (MANE Select); coding-DNA position 3199, C replaced by G.
Protein change: p.Pro1067Ala; replaces proline 1067 with alanine.
Molecular consequence: missense variant.
Genome position (GRCh38, 1-based): chr1:237,550,676, C>G. VCF-style: chr1-237550676-C-G. GRCh37 (hg19) VCF-style: chr1-237713976-C-G.
Other names: c.3199C>G, p.Pro1067Ala (LRG_402t1); short protein forms P1067A.
Identifiers: ClinVar variation 629556 (VCV000629556.4), dbSNP rs778889621, ClinGen allele CA345395258.

ClinVar aggregate classification (germline): Uncertain significance (1 of 4 stars; one submission).

Conditions:
Cardiomyopathy (CMYO). Also called: Cardiomyopathies. Identifiers: Orphanet 167848, MedGen C0878544, MONDO:0004994, HP:0001638. Inheritance: Various modes of inheritance.

Allele frequency attached by ClinVar (database versions not stated): TOPMed below 0.00001.

Submission:

Color Diagnostics, LLC DBA Color Health
Classification: Uncertain significance for Cardiomyopathy. Last evaluated: 2023-12-05. Review status: criteria provided, single submitter. Criteria: ACMG Guidelines, 2015. Collection method: clinical testing. Allele origin: germline.
Comment: Variant of Uncertain Significance due to insufficient evidence: This missense variant is located in the cytoplasmic SPRY domain 2 of the RYR2 protein. Computational prediction tools and conservation analyses suggest that this variant may have deleterious impact on the protein function. Computational splicing tools suggest that this variant may not impact RNA splicing. To our knowledge, functional assays have not been performed for this variant nor has this variant been reported in individuals affected with cardiovascular disorders in the literature. This variant is rare in the general population and has been identified in 0/277264 chromosomes by the Genome Aggregation Database (gnomAD). Available evidence is insufficient to determine the pathogenicity of this variant conclusively.